The following is an entry in ClinVar:

ClinVar aggregate classification (germline): Uncertain significance. Review status: criteria provided, single submitter (1 of 4 stars). 2 submissions from 2 submitters: Uncertain significance (1). 1 of the submissions does not count toward it. Last evaluated 2022-06-19.

Conditions:
Maple syrup urine disease (MSUD). Identifiers: Orphanet 511, MedGen C0024776, MeSH D008375, MONDO:0009563. Disease mechanism: loss of function.
Maple syrup urine disease type 1B (MSUD1B). Also called: MSUD type IB; MSUD type 3 (formerly); MSUD due to deficiency of e1-beta subunit of branched-chain alpha-keto acid dehydrogenase complex. Identifiers: MedGen C2930990, MONDO:0023692, OMIM 620698.

Allele frequency attached by ClinVar (database versions not stated): gnomAD exomes 0.00003; ExAC 0.00013; TOPMed 0.00014.
gnomAD v4.1: 42 of 1,555,436 alleles (0.0027%); highest among the groups gnomAD compares: African/African-American, 0.046%; no homozygotes.

Submissions (3):

Labcorp Genetics (formerly Invitae), Labcorp
Classification: Uncertain significance for Maple syrup urine disease. Last evaluated: 2022-06-19. Review status: criteria provided, single submitter. Criteria: Invitae Variant Classification Sherloc (09022015). Collection method: clinical testing. Allele origin: germline.
Comment: This sequence change replaces alanine, which is neutral and non-polar, with valine, which is neutral and non-polar, at codon 2 of the BCKDHB protein (p.Ala2Val). The frequency data for this variant in the population databases is considered unreliable, as metrics indicate poor data quality at this position in the gnomAD database. This variant has not been reported in the literature in individuals affected with BCKDHB-related conditions. ClinVar contains an entry for this variant (Variation ID: 968447). Algorithms developed to predict the effect of missense changes on protein structure and function are either unavailable or do not agree on the potential impact of this missense change (SIFT: "Tolerated"; PolyPhen-2: "Not Available"; Align-GVGD: "Class C0"). In summary, the available evidence is currently insufficient to determine the role of this variant in disease. Therefore, it has been classified as a Variant of Uncertain Significance.

Natera, Inc.
Classification: Uncertain significance for Maple syrup urine disease type 1B. Last evaluated: 2020-02-21. Review status: no assertion criteria provided. Collection method: clinical testing. Allele origin: germline. Not counted in ClinVar's aggregate classification.

Dr. Peter K. Rogan Lab, Western University
No classification provided (evidence only). Condition: Thyroid cancer, nonmedullary, 1. Review status: no classification provided. Collection method: in vitro. Allele origin: not applicable. Functional consequence: retained intron. Not counted in ClinVar's aggregate classification.

NM_183050.4(BCKDHB):c.5C>T (p.Ala2Val)

Gene: BCKDHB (branched chain keto acid dehydrogenase E1 subunit beta; plus strand). Cytogenetic location: 6q14.1.
Variant type: single nucleotide variant.
Coding change: c.5C>T on transcript NM_183050.4 (MANE Select); coding-DNA position 5, C replaced by T.
Protein change: p.Ala2Val; replaces alanine 2 with valine.
Molecular consequence: missense variant. On other transcripts: non-coding transcript variant (1), intron variant (1).
Genome position (GRCh38, 1-based): chr6:80,106,698, C>T. VCF-style: chr6-80106698-C-T. GRCh37 (hg19) VCF-style: chr6-80816415-C-T.
Other names: c.5C>T, p.Ala2Val (NM_000056.5); c.-15+15C>T (NM_001318975.1); short protein forms A2V.
Identifiers: ClinVar variation 968447 (VCV000968447.5), dbSNP rs769876670, ClinGen allele CA3902467.